The following is an entry in ClinVar:

NM_022787.4(NMNAT1):c.829G>A (p.Ala277Thr)

Gene: NMNAT1 (nicotinamide nucleotide adenylyltransferase 1; plus strand). Cytogenetic location: 1p36.22.
Variant type: single nucleotide variant.
Coding change: c.829G>A on transcript NM_022787.4 (MANE Select); coding-DNA position 829, G replaced by A.
Protein change: p.Ala277Thr; replaces alanine 277 with threonine.
Molecular consequence: missense variant.
Genome position (GRCh38, 1-based): chr1:9,982,690, G>A. VCF-style: chr1-9982690-G-A. GRCh37 (hg19) VCF-style: chr1-10042748-G-A.
Other names: c.829G>A, p.Ala277Thr (NM_001297778.1); short protein forms A277T.
Identifiers: ClinVar variation 1360359 (VCV001360359.8), dbSNP rs1001997442, ClinGen allele CA18240480.
Genomic context (GRCh38, chr1:9,982,690, plus strand): 5'-GAGAGTGAAGACAGGAATGCTGGGGTCATCCTGGCCCCTTTGCAGAGAAACACTGCAGAA[G>A]CTAAGACATAGGAATTCTACAGCATGATATTTCAGACTTCCCATTTGGGGATCTGAAACA-3'
Protein context (NP_073624.2, residues 267-279): LAPLQRNTAE[Ala277Thr]KT

ClinVar aggregate classification (germline): Uncertain significance (1 of 4 stars; one submission).

Conditions:
Leber congenital amaurosis 9 (LCA9). Also called: LCA9 Leber Congenital Amaurosis; LCA 9; Amaurosis congenita of Leber, type 9. Identifiers: Orphanet 65, MedGen C1837873, MONDO:0012056, OMIM 608553.

Allele frequency attached by ClinVar (database versions not stated): gnomAD exomes below 0.00001; gnomAD 0.00001; TOPMed 0.00001.
gnomAD v4.1: 3 of 1,604,866 alleles (0.00019%); highest among the groups gnomAD compares: African/African-American, 0.0013%; no homozygotes.

Submission:

Labcorp Genetics (formerly Invitae), Labcorp
Classification: Uncertain significance for Leber congenital amaurosis 9. Last evaluated: 2022-07-12. Review status: criteria provided, single submitter. Criteria: Invitae Variant Classification Sherloc (09022015). Collection method: clinical testing. Allele origin: germline.
Comment: Algorithms developed to predict the effect of missense changes on protein structure and function output the following: SIFT: "Tolerated"; PolyPhen-2: "Benign"; Align-GVGD: "Class C0". The threonine amino acid residue is found in multiple mammalian species, which suggests that this missense change does not adversely affect protein function. In summary, the available evidence is currently insufficient to determine the role of this variant in disease. Therefore, it has been classified as a Variant of Uncertain Significance. ClinVar contains an entry for this variant (Variation ID: 1360359). This sequence change replaces alanine, which is neutral and non-polar, with threonine, which is neutral and polar, at codon 277 of the NMNAT1 protein (p.Ala277Thr). This variant is not present in population databases (gnomAD no frequency). This variant has not been reported in the literature in individuals affected with NMNAT1-related conditions.